The following is an entry in ClinVar:

NM_017570.5(OPLAH):c.2728T>A (p.Cys910Ser)

Gene: OPLAH (5-oxoprolinase, ATP-hydrolysing; minus strand). Cytogenetic location: 8q24.3.
Variant type: single nucleotide variant.
Coding change: c.2728T>A on transcript NM_017570.5 (MANE Select); coding-DNA position 2728, T replaced by A.
Protein change: p.Cys910Ser; replaces cysteine 910 with serine.
Molecular consequence: missense variant.
Genome position (GRCh38, 1-based): chr8:144,053,352, A>T on the plus strand (T>A on the coding strand, the complement: OPLAH is on the minus strand). VCF-style: chr8-144053352-A-T. GRCh37 (hg19) VCF-style: chr8-145108255-A-T.
Other names: c.2728T>A (NM_017570.3); short protein forms C910S.
Identifiers: ClinVar variation 1398970 (VCV001398970.7), dbSNP rs2129764172, ClinGen allele CA372539908.

ClinVar aggregate classification (germline): Uncertain significance. Review status: criteria provided, multiple submitters, no conflicts (2 of 4 stars). 2 submissions from 2 submitters: Uncertain significance (2). Last evaluated 2024-01-03.

Conditions:
5-Oxoprolinase deficiency (OPLAHD). Also called: 5-OXOPROLINURIA DUE TO 5-OXOPROLINASE DEFICIENCY. Identifiers: Orphanet 33572, MedGen C0268525, MONDO:0009825, OMIM 260005, HP:0040142.

Allele frequency attached by ClinVar (database versions not stated): gnomAD exomes below 0.00001.

Submissions (2):

Ambry Genetics
Classification: Uncertain significance. Last evaluated: 2024-01-03. Review status: criteria provided, single submitter. Criteria: Ambry Variant Classification Scheme 2023. Collection method: clinical testing. Allele origin: germline.

Labcorp Genetics (formerly Invitae), Labcorp
Classification: Uncertain significance for 5-Oxoprolinase deficiency. Last evaluated: 2021-10-20. Review status: criteria provided, single submitter. Criteria: Invitae Variant Classification Sherloc (09022015). Collection method: clinical testing. Allele origin: germline.
Comment: In summary, the available evidence is currently insufficient to determine the role of this variant in disease. Therefore, it has been classified as a Variant of Uncertain Significance. Algorithms developed to predict the effect of missense changes on protein structure and function are either unavailable or do not agree on the potential impact of this missense change (SIFT: "Not Available"; PolyPhen-2: "Benign"; Align-GVGD: "Not Available"). This variant has not been reported in the literature in individuals affected with OPLAH-related conditions. This variant is not present in population databases (gnomAD no frequency). This sequence change replaces cysteine, which is neutral and slightly polar, with serine, which is neutral and polar, at codon 910 of the OPLAH protein (p.Cys910Ser).